The following is an entry in ClinVar:

ClinVar aggregate classification (germline): Conflicting classifications of pathogenicity. Review status: criteria provided, conflicting classifications (1 of 4 stars). 9 submissions from 9 submitters: Uncertain significance (3); Benign (1); Likely benign (4). 1 of the submissions does not count toward it. Last evaluated 2026-01-12.

Conditions:
TTN-related disorder. Also called: TTN-related condition; TTN-related disease; TTN-related disorders.
Cardiovascular phenotype. Identifiers: MedGen CN230736.
Dilated cardiomyopathy 1G (CMD1G). Identifiers: Orphanet 154, MedGen C1858763, MONDO:0011400, OMIM 604145.
Autosomal recessive limb-girdle muscular dystrophy type 2J (LGMDR10). Also called: Limb-girdle muscular dystrophy, type 2J; MUSCULAR DYSTROPHY, LIMB-GIRDLE, AUTOSOMAL RECESSIVE 10. Identifiers: Orphanet 140922, MedGen C1837342, MONDO:0012127, OMIM 608807.

Allele frequency attached by ClinVar (database versions not stated): gnomAD 0.00014; gnomAD exomes 0.00014 and 0.00070; TOPMed 0.00023; 1000 Genomes Project 30x 0.00031; 1000 Genomes Project 0.00040; ExAC 0.00045.
gnomAD v4.1: 219 of 1,613,774 alleles (0.014%); highest among the groups gnomAD compares: Admixed American, 0.36%; no homozygotes.

Submissions (9):

Labcorp Genetics (formerly Invitae), Labcorp
Classification: Benign for Dilated cardiomyopathy 1G; Autosomal recessive limb-girdle muscular dystrophy type 2J. Last evaluated: 2026-01-12. Review status: criteria provided, single submitter. Criteria: Invitae Variant Classification Sherloc (09022015). Collection method: clinical testing. Allele origin: germline.

Mayo Clinic Laboratories, Mayo Clinic
Classification: Uncertain significance. Last evaluated: 2023-06-21. Review status: criteria provided, single submitter. Criteria: ACMG Guidelines, 2015. Collection method: clinical testing. Allele origin: germline. Observed: 2 variant alleles.
Comment: BS1

Women's Health and Genetics/Laboratory Corporation of America, LabCorp
Classification: Likely benign. Last evaluated: 2022-03-05. Review status: criteria provided, single submitter. Criteria: LabCorp Variant Classification Summary - May 2015. Collection method: clinical testing. Allele origin: germline.

ARUP Laboratories, Molecular Genetics and Genomics, ARUP Laboratories
Classification: Uncertain significance. Last evaluated: 2019-08-14. Review status: criteria provided, single submitter. Criteria: ARUP Molecular Germline Variant Investigation Process. Collection method: clinical testing. Allele origin: germline.
Comment: The TTN c.82103A>G; p.Asp27368Gly variant (rs145373396) is rare in the general population (<1% allele frequency in the Genome Aggregation Database) and has not been reported in the medical literature in association with dilated cardiomyopathy (DCM) or other TTN-related disease. The clinical relevance of rare missense variants in this gene, which are identified on average once per individual sequenced in affected populations (Herman 2012), is not well understood. Yet, evidence suggests that the vast majority of such missense variants do not contribute to the clinical outcome of DCM (Begay 2015). Thus, the clinical significance of the p. Asp27368Gly variant cannot be determined with certainty.

Ambry Genetics
Classification: Likely benign for Cardiovascular phenotype. Last evaluated: 2018-09-06. Review status: criteria provided, single submitter. Criteria: Ambry Variant Classification Scheme 2023. Collection method: clinical testing. Allele origin: germline.

GeneDx
Classification: Likely benign. Last evaluated: 2017-04-07. Review status: criteria provided, single submitter. Criteria: GeneDx Variant Classification (06012015). Collection method: clinical testing. Allele origin: germline. Affected: yes.
Comment: This variant is considered likely benign or benign based on one or more of the following criteria: it is a conservative change, it occurs at a poorly conserved position in the protein, it is predicted to be benign by multiple in silico algorithms, and/or has population frequency not consistent with disease.

Eurofins Ntd Llc (ga)
Classification: Likely benign. Last evaluated: 2015-04-24. Review status: criteria provided, single submitter. Criteria: EGL Classification Definitions 2015. Collection method: clinical testing. Allele origin: germline. Observed: 1 variant allele, 1 heterozygote.

Laboratory for Molecular Medicine, Mass General Brigham Personalized Medicine
Classification: Uncertain significance. Last evaluated: 2012-07-10. Review status: criteria provided, single submitter. Criteria: LMM Criteria. Collection method: clinical testing. Allele origin: germline. Observed: 1 variant allele.
Comment: Variant classified as Uncertain Significance - Favor Benign. The Asp24800Gly var iant in TTN has been identified in 1.5% (2/132) of Mexican American chromosomes from a broad population by the 1000 Genomes project (dbSNP rs145373396). This fr equency raises the possibility that the variant may be benign but is insufficien t to rule out a role in disease. Computational analyses (biochemical amino acid properties, conservation, AlignGVGD, PolyPhen2, and SIFT) do not provide strong support for or against an impact to the protein. Additional information is neede d to fully assess its clinical significance.

PreventionGenetics, part of Exact Sciences
Classification: Likely benign for TTN-related condition. Last evaluated: 2020-10-14. Review status: no assertion criteria provided. Collection method: clinical testing. Allele origin: germline. Not counted in ClinVar's aggregate classification.
Comment: This variant is classified as likely benign based on ACMG/AMP sequence variant interpretation guidelines (Richards et al. 2015 PMID: 25741868, with internal and published modifications).

NM_001267550.2(TTN):c.82103A>G (p.Asp27368Gly)

Genes: TTN (titin; minus strand), TTN-AS1 (TTN antisense RNA 1; plus strand). Cytogenetic location: 2q31.2.
Variant type: single nucleotide variant.
Coding change: c.82103A>G on transcript NM_001267550.2 (MANE Select); coding-DNA position 82103, A replaced by G.
Protein change: p.Asp27368Gly; replaces aspartic acid 27368 with glycine.
Molecular consequence: missense variant.
Genome position (GRCh38, 1-based): chr2:178,564,029, T>C on the plus strand (A>G on the coding strand, the complement: TTN is on the minus strand). VCF-style: chr2-178564029-T-C. GRCh37 (hg19) VCF-style: chr2-179428756-T-C.
Other names: p.D25727G:GAC>GGC; c.55283A>G, p.Asp18428Gly (NM_133432.3); c.55484A>G, p.Asp18495Gly (NM_133437.4); c.77180A>G, p.Asp25727Gly (NM_001256850.1); c.54908A>G, p.Asp18303Gly (NM_003319.4); c.74399A>G, p.Asp24800Gly (NM_133378.4); short protein forms D27368G, D24800G, D25727G, D18303G, D18495G, D18428G.
Identifiers: ClinVar variation 47408 (VCV000047408.35), dbSNP rs145373396, ClinGen allele CA140913.